The following is an entry in ClinVar:

ClinVar aggregate classification (germline): Uncertain significance. Review status: criteria provided, multiple submitters, no conflicts (2 of 4 stars). 3 submissions from 3 submitters: Uncertain significance (3). Last evaluated 2025-05-30.

Conditions:
Inborn genetic diseases. Identifiers: MedGen C0950123, MeSH D030342.

Allele frequency attached by ClinVar (database versions not stated): gnomAD exomes below 0.00001; ExAC 0.00001; TOPMed 0.00002.
gnomAD v4.1: 5 of 1,614,244 alleles (0.00031%); highest among the groups gnomAD compares: Non-Finnish European, 0.00034%; no homozygotes.

Submissions (3):

Ambry Genetics
Classification: Uncertain significance for Inborn genetic diseases. Last evaluated: 2025-05-30. Review status: criteria provided, single submitter. Criteria: Ambry Variant Classification Scheme 2023. Collection method: clinical testing. Allele origin: germline.

Labcorp Genetics (formerly Invitae), Labcorp
Classification: Uncertain significance. Last evaluated: 2025-01-27. Review status: criteria provided, single submitter. Criteria: Invitae Variant Classification Sherloc (09022015). Collection method: clinical testing. Allele origin: germline.
Comment: This sequence change replaces leucine, which is neutral and non-polar, with glutamine, which is neutral and polar, at codon 843 of the TRPM1 protein (p.Leu843Gln). This variant is present in population databases (rs745706098, gnomAD 0.007%). This variant has not been reported in the literature in individuals affected with TRPM1-related conditions. ClinVar contains an entry for this variant (Variation ID: 1897355). Invitae Evidence Modeling of protein sequence and biophysical properties (such as structural, functional, and spatial information, amino acid conservation, physicochemical variation, residue mobility, and thermodynamic stability) indicates that this missense variant is not expected to disrupt TRPM1 protein function with a negative predictive value of 95%. In summary, the available evidence is currently insufficient to determine the role of this variant in disease. Therefore, it has been classified as a Variant of Uncertain Significance.

Blueprint Genetics
Classification: Uncertain significance. Last evaluated: 2019-11-21. Review status: criteria provided, single submitter. Criteria: ACMG Guidelines, 2015. Collection method: clinical testing. Allele origin: germline.

NM_001252024.2(TRPM1):c.2594T>A (p.Leu865Gln)

Genes: TRPM1 (transient receptor potential cation channel subfamily M member 1; minus strand), TRPM1-AS1 (TRPM1 antisense RNA 1; plus strand). Cytogenetic location: 15q13.3.
Variant type: single nucleotide variant.
Coding change: c.2594T>A on transcript NM_001252024.2 (MANE Select); coding-DNA position 2594, T replaced by A.
Protein change: p.Leu865Gln; replaces leucine 865 with glutamine.
Molecular consequence: missense variant.
Genome position (GRCh38, 1-based): chr15:31,035,652, A>T on the plus strand (T>A on the coding strand, the complement: TRPM1 is on the minus strand). VCF-style: chr15-31035652-A-T. GRCh37 (hg19) VCF-style: chr15-31327855-A-T.
Other names: c.2645T>A, p.Leu882Gln (NM_001252020.2); c.2528T>A, p.Leu843Gln (NM_002420.6); c.2528T>A (NM_002420.4); short protein forms L843Q, L882Q, L865Q.
Identifiers: ClinVar variation 1897355 (VCV001897355.6), dbSNP rs745706098, ClinGen allele CA7452133.